The following is an entry in ClinVar:

ClinVar aggregate classification (germline): Uncertain significance (1 of 4 stars; one submission).

Allele frequency attached by ClinVar (database versions not stated): gnomAD exomes below 0.00001.
gnomAD v4.1: 3 of 1,605,548 alleles (0.00019%); highest among the groups gnomAD compares: Non-Finnish European, 0.00026%; no homozygotes.

Submission:

Labcorp Genetics (formerly Invitae), Labcorp
Classification: Uncertain significance. Last evaluated: 2022-08-12. Review status: criteria provided, single submitter. Criteria: Invitae Variant Classification Sherloc (09022015). Collection method: clinical testing. Allele origin: germline.
Comment: In summary, the available evidence is currently insufficient to determine the role of this variant in disease. Therefore, it has been classified as a Variant of Uncertain Significance. Algorithms developed to predict the effect of missense changes on protein structure and function output the following: SIFT: "Tolerated"; PolyPhen-2: "Benign"; Align-GVGD: "Class C0". The valine amino acid residue is found in multiple mammalian species, which suggests that this missense change does not adversely affect protein function. This variant has not been reported in the literature in individuals affected with PRDM13-related conditions. This variant is not present in population databases (gnomAD no frequency). This sequence change replaces alanine, which is neutral and non-polar, with valine, which is neutral and non-polar, at codon 551 of the PRDM13 protein (p.Ala551Val).

NM_021620.4(PRDM13):c.1652C>T (p.Ala551Val)

Gene: PRDM13 (PR/SET domain 13; plus strand). Cytogenetic location: 6q16.2.
Variant type: single nucleotide variant.
Coding change: c.1652C>T on transcript NM_021620.4 (MANE Select); coding-DNA position 1652, C replaced by T.
Protein change: p.Ala551Val; replaces alanine 551 with valine.
Molecular consequence: missense variant.
Genome position (GRCh38, 1-based): chr6:99,614,287, C>T. VCF-style: chr6-99614287-C-T. GRCh37 (hg19) VCF-style: chr6-100062163-C-T.
Other names: short protein forms A551V.
Identifiers: ClinVar variation 1935459 (VCV001935459.5), dbSNP rs2538547559, ClinGen allele CA365120625.